The following is an entry in ClinVar:

ClinVar aggregate classification (germline): Uncertain significance. Review status: criteria provided, multiple submitters, no conflicts (2 of 4 stars). 2 submissions from 2 submitters: Uncertain significance (2). Last evaluated 2022-11-22.

Conditions:
Bardet-Biedl syndrome (BBS). Identifiers: Orphanet 110, MedGen C0752166, MONDO:0015229.

Allele frequency attached by ClinVar (database versions not stated): gnomAD 0.00001; ESP Exome Variant Server 0.00008; TOPMed below 0.00001.
gnomAD v4.1: 1 of 1,613,890 alleles (0.000062%); highest among the groups gnomAD compares: African/African-American, 0.0013%; no homozygotes.

Submissions (2):

Labcorp Genetics (formerly Invitae), Labcorp
Classification: Uncertain significance for Bardet-Biedl syndrome. Last evaluated: 2022-11-22. Review status: criteria provided, single submitter. Criteria: Invitae Variant Classification Sherloc (09022015). Collection method: clinical testing. Allele origin: germline.
Comment: This variant has not been reported in the literature in individuals affected with BBS1-related conditions. This variant is not present in population databases (gnomAD no frequency). This sequence change replaces isoleucine, which is neutral and non-polar, with valine, which is neutral and non-polar, at codon 563 of the BBS1 protein (p.Ile563Val). ClinVar contains an entry for this variant (Variation ID: 1514450). In summary, the available evidence is currently insufficient to determine the role of this variant in disease. Therefore, it has been classified as a Variant of Uncertain Significance. Advanced modeling of protein sequence and biophysical properties (such as structural, functional, and spatial information, amino acid conservation, physicochemical variation, residue mobility, and thermodynamic stability) performed at Invitae indicates that this missense variant is not expected to disrupt BBS1 protein function.

Blueprint Genetics
Classification: Uncertain significance. Last evaluated: 2022-03-18. Review status: criteria provided, single submitter. Criteria: ACMG Guidelines, 2015. Collection method: clinical testing. Allele origin: germline.

NM_024649.5(BBS1):c.1687A>G (p.Ile563Val)

Genes: BBS1 (Bardet-Biedl syndrome 1; plus strand), ZDHHC24 (zDHHC palmitoyltransferase 24; minus strand). Cytogenetic location: 11q13.2.
Variant type: single nucleotide variant.
Coding change: c.1687A>G on transcript NM_024649.5 (MANE Select); coding-DNA position 1687, A replaced by G.
Protein change: p.Ile563Val; replaces isoleucine 563 with valine.
Molecular consequence: missense variant. On other transcripts: intron variant (1).
Genome position (GRCh38, 1-based): chr11:66,531,734, A>G. VCF-style: chr11-66531734-A-G. GRCh37 (hg19) VCF-style: chr11-66299205-A-G.
Other names: c.560-2246T>C (NM_001348571.2); short protein forms I563V.
Identifiers: ClinVar variation 1514450 (VCV001514450.9), dbSNP rs374048871, ClinGen allele CA224050486.